The following is an entry in ClinVar:

ClinVar aggregate classification (germline): Uncertain significance (1 of 4 stars; one submission).

gnomAD v4.1: 1 of 1,611,946 alleles (0.000062%); no homozygotes.

Submission:

Labcorp Genetics (formerly Invitae), Labcorp
Classification: Uncertain significance. Last evaluated: 2024-02-17. Review status: criteria provided, single submitter. Criteria: Invitae Variant Classification Sherloc (09022015). Collection method: clinical testing. Allele origin: germline.
Comment: This sequence change replaces phenylalanine, which is neutral and non-polar, with leucine, which is neutral and non-polar, at codon 420 of the NFKB1 protein (p.Phe420Leu). This variant is not present in population databases (gnomAD no frequency). This variant has not been reported in the literature in individuals affected with NFKB1-related conditions. ClinVar contains an entry for this variant (Variation ID: 2075384). Advanced modeling of protein sequence and biophysical properties (such as structural, functional, and spatial information, amino acid conservation, physicochemical variation, residue mobility, and thermodynamic stability) performed at Invitae indicates that this missense variant is not expected to disrupt NFKB1 protein function with a negative predictive value of 80%. In summary, the available evidence is currently insufficient to determine the role of this variant in disease. Therefore, it has been classified as a Variant of Uncertain Significance.

NM_003998.4(NFKB1):c.1258T>C (p.Phe420Leu)

Gene: NFKB1 (nuclear factor kappa B subunit 1; plus strand). Cytogenetic location: 4q24.
Variant type: single nucleotide variant.
Coding change: c.1258T>C on transcript NM_003998.4 (MANE Select); coding-DNA position 1258, T replaced by C.
Protein change: p.Phe420Leu; replaces phenylalanine 420 with leucine.
Molecular consequence: missense variant.
Genome position (GRCh38, 1-based): chr4:102,594,939, T>C. VCF-style: chr4-102594939-T-C. GRCh37 (hg19) VCF-style: chr4-103516096-T-C.
Other names: c.1255T>C, p.Phe419Leu (NM_001165412.2, NM_001319226.2, NM_001382627.1); c.1258T>C, p.Phe420Leu (NM_001382625.1, NM_001382626.1); c.1216T>C, p.Phe406Leu (NM_001382628.1); short protein forms F406L, F420L, F419L.
Identifiers: ClinVar variation 2075384 (VCV002075384.4), dbSNP rs2476492182, ClinGen allele CA357750692.
Genomic context (GRCh38, chr4:102,594,939, plus strand): 5'-CTTGCCGTTTCAGGGTATAGCTTCCCACACTATGGATTTCCTACTTATGGTGGGATTACT[T>C]TCCATCCTGGAACTACTAAATCTAATGCTGGGATGAAGCATGGTAAGTAATGCTTTGTTC-3'
Protein context (NP_003989.2, residues 410-430): YGFPTYGGIT[Phe420Leu]HPGTTKSNAG